The following is an entry in ClinVar:

NM_006341.4(MAD2L2):c.428-2A>G

Gene: MAD2L2 (mitotic arrest deficient 2 like 2; minus strand). Cytogenetic location: 1p36.22.
Variant type: single nucleotide variant.
Coding change: c.428-2A>G on transcript NM_006341.4 (MANE Select); the canonical splice acceptor site of the intron before coding-DNA position 428, A replaced by G.
Molecular consequence: splice acceptor variant.
Genome position (GRCh38, 1-based): chr1:11,675,733, T>C on the plus strand (A>G on the coding strand, the complement: MAD2L2 is on the minus strand). VCF-style: chr1-11675733-T-C. GRCh37 (hg19) VCF-style: chr1-11735790-T-C.
Other names: c.428-2A>G (NM_001127325.2).
Identifiers: ClinVar variation 2811484 (VCV002811484.3), dbSNP rs2521911949, ClinGen allele CA338416228.

ClinVar aggregate classification (germline): Uncertain significance (1 of 4 stars; one submission).

Allele frequency attached by ClinVar (database versions not stated): gnomAD exomes below 0.00001.
gnomAD v4.1: 4 of 1,613,868 alleles (0.00025%); highest among the groups gnomAD compares: Non-Finnish European, 0.00034%; no homozygotes.

Submission:

Labcorp Genetics (formerly Invitae), Labcorp
Classification: Uncertain significance. Last evaluated: 2022-11-02. Review status: criteria provided, single submitter. Criteria: Invitae Variant Classification Sherloc (09022015). Collection method: clinical testing. Allele origin: germline.
Comment: This sequence change affects an acceptor splice site in intron 6 of the MAD2L2 gene. It is expected to disrupt RNA splicing. Variants that disrupt the donor or acceptor splice site typically lead to a loss of protein function (PMID: 16199547), however the current clinical and genetic evidence is not sufficient to establish whether loss-of-function variants in MAD2L2 cause disease. In summary, the available evidence is currently insufficient to determine the role of this variant in disease. Therefore, it has been classified as a Variant of Uncertain Significance. Algorithms developed to predict the effect of sequence changes on RNA splicing suggest that this variant may disrupt the consensus splice site. This variant has not been reported in the literature in individuals affected with MAD2L2-related conditions. This variant is not present in population databases (gnomAD no frequency).

Literature cited by the submitters: PubMed 16199547.